The following is an entry in ClinVar:

ClinVar aggregate classification (germline): Uncertain significance (1 of 4 stars; one submission).

Allele frequency attached by ClinVar (database versions not stated): TOPMed 0.00001.
gnomAD v4.1: 3 of 1,088,786 alleles (0.00028%); highest among the groups gnomAD compares: Non-Finnish European, 0.00033%; no homozygotes.

Submission:

Labcorp Genetics (formerly Invitae), Labcorp
Classification: Uncertain significance. Last evaluated: 2022-01-21. Review status: criteria provided, single submitter. Criteria: Invitae Variant Classification Sherloc (09022015). Collection method: clinical testing. Allele origin: germline.
Comment: This sequence change replaces glycine, which is neutral and non-polar, with alanine, which is neutral and non-polar, at codon 35 of the ADGRA3 protein (p.Gly35Ala). The frequency data for this variant in the population databases is considered unreliable, as metrics indicate insufficient coverage at this position in the gnomAD database. This variant has not been reported in the literature in individuals affected with ADGRA3-related conditions. Algorithms developed to predict the effect of missense changes on protein structure and function are either unavailable or do not agree on the potential impact of this missense change (SIFT: "Tolerated"; PolyPhen-2: "Not Available"; Align-GVGD: "Class C0"). In summary, the available evidence is currently insufficient to determine the role of this variant in disease. Therefore, it has been classified as a Variant of Uncertain Significance.

NM_145290.4(ADGRA3):c.104G>C (p.Gly35Ala)

Gene: ADGRA3 (adhesion G protein-coupled receptor A3; minus strand). Cytogenetic location: 4p15.2.
Variant type: single nucleotide variant.
Coding change: c.104G>C on transcript NM_145290.4 (MANE Select); coding-DNA position 104, G replaced by C.
Protein change: p.Gly35Ala; replaces glycine 35 with alanine.
Molecular consequence: missense variant.
Genome position (GRCh38, 1-based): chr4:22,515,681, C>G on the plus strand (G>C on the coding strand, the complement: ADGRA3 is on the minus strand). VCF-style: chr4-22515681-C-G. GRCh37 (hg19) VCF-style: chr4-22517304-C-G.
Other names: short protein forms G35A.
Identifiers: ClinVar variation 2088883 (VCV002088883.4), dbSNP rs924625895, ClinGen allele CA356507845.